The following is an entry in ClinVar:

NM_017617.5(NOTCH1):c.2254A>G (p.Ile752Val)

Gene: NOTCH1 (notch receptor 1; minus strand). Cytogenetic location: 9q34.3.
Variant type: single nucleotide variant.
Coding change: c.2254A>G on transcript NM_017617.5 (MANE Select); coding-DNA position 2254, A replaced by G.
Protein change: p.Ile752Val; replaces isoleucine 752 with valine.
Molecular consequence: missense variant.
Genome position (GRCh38, 1-based): chr9:136,513,491, T>C on the plus strand (A>G on the coding strand, the complement: NOTCH1 is on the minus strand). VCF-style: chr9-136513491-T-C. GRCh37 (hg19) VCF-style: chr9-139407943-T-C.
Other names: short protein forms I752V.
Identifiers: ClinVar variation 3716563 (VCV003716563.2).

ClinVar aggregate classification (germline): Uncertain significance (1 of 4 stars; one submission).

Conditions:
Adams-Oliver syndrome 5 (AOS5). Identifiers: Orphanet 974, MedGen C4014970, MONDO:0014459, OMIM 616028.

gnomAD v4.1: 1 of 1,613,218 alleles (0.000062%); highest among the groups gnomAD compares: Non-Finnish European, 0.000085%; no homozygotes.

Submission:

Labcorp Genetics (formerly Invitae), Labcorp
Classification: Uncertain significance for Adams-Oliver syndrome 5. Last evaluated: 2024-09-22. Review status: criteria provided, single submitter. Criteria: Invitae Variant Classification Sherloc (09022015). Collection method: clinical testing. Allele origin: germline.
Comment: This sequence change replaces isoleucine, which is neutral and non-polar, with valine, which is neutral and non-polar, at codon 752 of the NOTCH1 protein (p.Ile752Val). This variant is not present in population databases (gnomAD no frequency). This variant has not been reported in the literature in individuals affected with NOTCH1-related conditions. Invitae Evidence Modeling of protein sequence and biophysical properties (such as structural, functional, and spatial information, amino acid conservation, physicochemical variation, residue mobility, and thermodynamic stability) indicates that this missense variant is not expected to disrupt NOTCH1 protein function with a negative predictive value of 80%. In summary, the available evidence is currently insufficient to determine the role of this variant in disease. Therefore, it has been classified as a Variant of Uncertain Significance.